The following is an entry in ClinVar:

ClinVar aggregate classification (germline): Uncertain significance (1 of 4 stars; one submission).

Conditions:
Hyper-IgM syndrome type 1. Also called: Immunodeficiency, X-linked, with hyper-IgM; Hyper-IgM Immunodeficiency Syndrome, Type 1; CD40 Ligand Deficiency; X-linked hyper-IgM syndrome. Identifiers: Orphanet 101088, MedGen C0398689, MONDO:0010626, OMIM 308230.

Submission:

Labcorp Genetics (formerly Invitae), Labcorp
Classification: Uncertain significance for Hyper-IgM syndrome type 1. Last evaluated: 2025-07-02. Review status: criteria provided, single submitter. Criteria: Invitae Variant Classification Sherloc (09022015). Collection method: clinical testing. Allele origin: germline.
Comment: This sequence change replaces aspartic acid, which is acidic and polar, with asparagine, which is neutral and polar, at codon 117 of the CD40LG protein (p.Asp117Asn). This variant is not present in population databases (gnomAD no frequency). This variant has not been reported in the literature in individuals affected with CD40LG-related conditions. An algorithm developed to predict the effect of missense changes on protein structure and function (PolyPhen-2) suggests that this variant is likely to be tolerated. In summary, the available evidence is currently insufficient to determine the role of this variant in disease. Therefore, it has been classified as a Variant of Uncertain Significance.

NM_000074.3(CD40LG):c.349G>A (p.Asp117Asn)

Gene: CD40LG (CD40 ligand; plus strand). Cytogenetic location: Xq26.3.
Variant type: single nucleotide variant.
Coding change: c.349G>A on transcript NM_000074.3 (MANE Select); coding-DNA position 349, G replaced by A.
Protein change: p.Asp117Asn; replaces aspartic acid 117 with asparagine.
Molecular consequence: missense variant.
Genome position (GRCh38, 1-based): chrX:136,656,358, G>A. VCF-style: chrX-136656358-G-A. GRCh37 (hg19) VCF-style: chrX-135738517-G-A.
Other names: short protein forms D117N.
Identifiers: ClinVar variation 4721829 (VCV004721829.1).
Genomic context (GRCh38, chrX:136,656,358, plus strand): 5'-TAGTTTTGTGGGCAGTTTTTGCATTATTTTAGCCTGACAGTTTTTGGTTCCATTTCAGGT[G>A]ATCAGAATCCTCAAATTGCGGCACATGTCATAAGTGAGGCCAGCAGTAAAACAACATCTG-3'
Protein context (NP_000065.1, residues 107-127): KENSFEMQKG[Asp117Asn]QNPQIAAHVI